The following is an entry in ClinVar:

NM_001164508.2(NEB):c.17203G>A (p.Ala5735Thr)

Gene: NEB (nebulin; minus strand). Cytogenetic location: 2q23.3.
Variant type: single nucleotide variant.
Coding change: c.17203G>A on transcript NM_001164508.2 (MANE Select); coding-DNA position 17203, G replaced by A.
Protein change: p.Ala5735Thr; replaces alanine 5735 with threonine.
Molecular consequence: missense variant.
Genome position (GRCh38, 1-based): chr2:151,570,308, C>T on the plus strand (G>A on the coding strand, the complement: NEB is on the minus strand). VCF-style: chr2-151570308-C-T. GRCh37 (hg19) VCF-style: chr2-152426822-C-T.
Other names: c.12100G>A (NM_004543.4); c.17203G>A, p.Ala5735Thr (NM_001164507.2, NM_001271208.2); c.12100G>A, p.Ala4034Thr (NM_004543.5); short protein forms A5735T, A4034T.
Identifiers: ClinVar variation 450617 (VCV000450617.16), dbSNP rs202111641, ClinGen allele CA1908261.

ClinVar aggregate classification (germline): Conflicting classifications of pathogenicity. Review status: criteria provided, conflicting classifications (1 of 4 stars). 6 submissions from 6 submitters: Uncertain significance (4); Likely benign (1). 1 of the submissions does not count toward it. Last evaluated 2026-01-18.

Conditions:
Nemaline myopathy 2 (NEM2). Also called: Nemaline myopathy 2, autosomal recessive. Identifiers: MedGen C1850569, MONDO:0009725, OMIM 256030.
Inborn genetic diseases. Identifiers: MedGen C0950123, MeSH D030342.

Allele frequency attached by ClinVar (database versions not stated): ExAC 0.00003; gnomAD exomes 0.00004 and 0.00010; gnomAD 0.00007 and 0.00008; TOPMed 0.00008.
gnomAD v4.1: 160 of 1,610,730 alleles (0.0099%); highest among the groups gnomAD compares: Non-Finnish European, 0.013%; no homozygotes.

Submissions (6):

Labcorp Genetics (formerly Invitae), Labcorp
Classification: Likely benign for Nemaline myopathy 2. Last evaluated: 2026-01-18. Review status: criteria provided, single submitter. Criteria: Invitae Variant Classification Sherloc (09022015). Collection method: clinical testing. Allele origin: germline.

Ambry Genetics
Classification: Uncertain significance for Inborn genetic diseases. Last evaluated: 2024-04-20. Review status: criteria provided, single submitter. Criteria: Ambry Variant Classification Scheme 2023. Collection method: clinical testing. Allele origin: germline.

Women's Health and Genetics/Laboratory Corporation of America, LabCorp
Classification: Uncertain significance. Last evaluated: 2024-03-07. Review status: criteria provided, single submitter. Criteria: LabCorp Variant Classification Summary - May 2015. Collection method: clinical testing. Allele origin: germline.
Comment: Variant summary: NEB c.17203G>A (p.Ala5735Thr) results in a non-conservative amino acid change in the encoded protein sequence. Three of five in-silico tools predict a damaging effect of the variant on protein function. The variant allele was found at a frequency of 3.6e-05 in 247752 control chromosomes. The available data on variant occurrences in the general population are insufficient to allow any conclusion about variant significance. To our knowledge, no occurrence of c.17203G>A in individuals affected with Nemaline Myopathy 2 and no experimental evidence demonstrating its impact on protein function have been reported. ClinVar contains an entry for this variant (Variation ID: 450617). Based on the evidence outlined above, the variant was classified as uncertain significance.

Revvity Omics, Revvity
Classification: Uncertain significance. Last evaluated: 2023-12-29. Review status: criteria provided, single submitter. Criteria: ACMG Guidelines, 2015. Collection method: clinical testing. Allele origin: germline.

GeneDx
Classification: Uncertain significance. Last evaluated: 2017-07-25. Review status: criteria provided, single submitter. Criteria: GeneDx Variant Classification (06012015). Collection method: clinical testing. Allele origin: germline. Affected: yes.
Comment: The A5735T variant in the NEB gene has not been reported previously as a pathogenic variant, nor as a benign variant, to our knowledge. This variant is not observed at a significant frequency in large population cohorts (Lek et al., 2016; 1000 Genomes Consortium et al., 2015; Exome Variant Server). The A5735T variant is a non-conservative amino acid substitution, which is likely to impact secondary protein structure as these residues differ in polarity, charge, size and/or other properties. This substitution occurs at a position that is conserved in mammals. In silico analysis is inconsistent in its predictions as to whether or not the variant is damaging to the protein structure/function. We interpret A5735T as a variant of uncertain significance.

Natera, Inc.
Classification: Uncertain significance for Nemaline myopathy type 2. Last evaluated: 2020-01-24. Review status: no assertion criteria provided. Collection method: clinical testing. Allele origin: germline. Not counted in ClinVar's aggregate classification.